The following is an entry in ClinVar:

NM_005228.5(EGFR):c.2284-20G>T

Genes: EGFR (epidermal growth factor receptor; plus strand), EGFR-AS1 (EGFR antisense RNA 1; minus strand). Cytogenetic location: 7p11.2.
Variant type: single nucleotide variant.
Coding change: c.2284-20G>T on transcript NM_005228.5 (MANE Select); 20 bases into the intron before coding-DNA position 2284, G replaced by T.
Molecular consequence: intron variant. On other transcripts: non-coding transcript variant (1).
Genome position (GRCh38, 1-based): chr7:55,181,273, G>T. VCF-style: chr7-55181273-G-T. GRCh37 (hg19) VCF-style: chr7-55248966-G-T.
Other names: c.2149-20G>T (NM_001346899.2, NM_001346897.2); c.1483-20G>T (NM_001346941.2); c.2284-20G>T (NM_001346898.2); c.2125-20G>T (NM_001346900.2).
Identifiers: ClinVar variation 1641261 (VCV001641261.9), dbSNP rs200438791, ClinGen allele CA455164965.

ClinVar aggregate classification (germline): Likely benign. Review status: criteria provided, multiple submitters, no conflicts (2 of 4 stars). 2 submissions from 2 submitters: Likely benign (2). Last evaluated 2025-11-10.

Conditions:
EGFR-related lung cancer (EGFR). Identifiers: MedGen CN130014.
Lung cancer. Also called: Malignant tumor of lung; Lung cancer, somatic. Identifiers: MedGen C0242379, MONDO:0008903, OMIM 211980.

gnomAD v4.1: 3 of 1,613,690 alleles (0.00019%); highest among the groups gnomAD compares: Admixed American, 0.005%; no homozygotes.

Submissions (2):

Labcorp Genetics (formerly Invitae), Labcorp
Classification: Likely benign for EGFR-related lung cancer. Last evaluated: 2025-11-10. Review status: criteria provided, single submitter. Criteria: Invitae Variant Classification Sherloc (09022015). Collection method: clinical testing. Allele origin: germline.

Myriad Genetics, Inc.
Classification: Likely benign for Lung cancer. Last evaluated: 2024-10-16. Review status: criteria provided, single submitter. Criteria: Myriad Autosomal Dominant, Autosomal Recessive and X-Linked Classification Criteria (2023). Collection method: clinical testing. Allele origin: unknown.
Comment: This variant is considered likely benign. This variant is intronic and is not expected to impact mRNA splicing.